The following is an entry in ClinVar:

NM_173354.5(SIK1):c.1568C>T (p.Thr523Ile)

Gene: SIK1 (salt inducible kinase 1; minus strand). Cytogenetic location: 21q22.3.
Variant type: single nucleotide variant.
Coding change: c.1568C>T on transcript NM_173354.5 (MANE Select); coding-DNA position 1568, C replaced by T.
Protein change: p.Thr523Ile; replaces threonine 523 with isoleucine.
Molecular consequence: missense variant.
Genome position (GRCh38, 1-based): chr21:43,418,436, G>A on the plus strand (C>T on the coding strand, the complement: SIK1 is on the minus strand). VCF-style: chr21-43418436-G-A. GRCh37 (hg19) VCF-style: chr21-44838316-G-A.
Other names: short protein forms T523I.
Identifiers: ClinVar variation 659351 (VCV000659351.9), dbSNP rs1389573601, ClinGen allele CA410607739.
Genomic context (GRCh38, chr21:43,418,436, plus strand): 5'-AGGAAGGGCGAGGCCAGCCTGACCGGGGAGCAGGCGCCCAGCAGCCCCTGAGTGGCCGGG[G>A]TGCCACTGAGCCCCGCGGGGCTTTTGCTCGCAGAGAAGGTCAGACAACTGTCAGAGCTGG-3'
Protein context (NP_775490.2, residues 513-533): ASKSPAGLSG[Thr523Ile]PATQGLLGAC

ClinVar aggregate classification (germline): Uncertain significance (1 of 4 stars; one submission).

Conditions:
Developmental and epileptic encephalopathy, 30 (DEE30). Also called: Epileptic encephalopathy, early infantile, 30. Identifiers: MedGen C4225360, MONDO:0014595, OMIM 616341.

Allele frequency attached by ClinVar (database versions not stated): gnomAD exomes 0.00001.

Submission:

Labcorp Genetics (formerly Invitae), Labcorp
Classification: Uncertain significance for Developmental and epileptic encephalopathy, 30. Last evaluated: 2024-08-21. Review status: criteria provided, single submitter. Criteria: Invitae Variant Classification Sherloc (09022015). Collection method: clinical testing. Allele origin: germline.
Comment: This sequence change replaces threonine, which is neutral and polar, with isoleucine, which is neutral and non-polar, at codon 523 of the SIK1 protein (p.Thr523Ile). The frequency data for this variant in the population databases is considered unreliable, as metrics indicate poor data quality at this position in the gnomAD database. This variant has not been reported in the literature in individuals affected with SIK1-related conditions. ClinVar contains an entry for this variant (Variation ID: 659351). Invitae Evidence Modeling of protein sequence and biophysical properties (such as structural, functional, and spatial information, amino acid conservation, physicochemical variation, residue mobility, and thermodynamic stability) indicates that this missense variant is not expected to disrupt SIK1 protein function with a negative predictive value of 95%. In summary, the available evidence is currently insufficient to determine the role of this variant in disease. Therefore, it has been classified as a Variant of Uncertain Significance.